The following is an entry in ClinVar:

ClinVar aggregate classification (germline): Likely benign (0 of 4 stars; one submission).

Conditions:
FSIP2-related disorder. Also called: FSIP2-related condition.

Allele frequency attached by ClinVar (database versions not stated): ESP Exome Variant Server 0.00222; gnomAD exomes 0.00592; gnomAD 0.00666; TOPMed 0.00924; 1000 Genomes Project 30x 0.00937; 1000 Genomes Project 0.00978; ExAC 0.01413.
gnomAD v4.1: 9,632 of 1,607,060 alleles (0.6%); highest among the groups gnomAD compares: East Asian, 4.8%; 165 homozygotes.

Submission:

PreventionGenetics, part of Exact Sciences
Classification: Likely benign for FSIP2-related condition. Last evaluated: 2019-03-22. Review status: no assertion criteria provided. Collection method: clinical testing. Allele origin: germline.
Comment: This variant is classified as likely benign based on ACMG/AMP sequence variant interpretation guidelines (Richards et al. 2015 PMID: 25741868, with internal and published modifications).

NM_173651.4(FSIP2):c.19585C>A (p.Pro6529Thr)

Gene: FSIP2 (fibrous sheath interacting protein 2; plus strand). Cytogenetic location: 2q32.1.
Variant type: single nucleotide variant.
Coding change: c.19585C>A on transcript NM_173651.4 (MANE Select); coding-DNA position 19585, C replaced by A.
Protein change: p.Pro6529Thr; replaces proline 6529 with threonine.
Molecular consequence: missense variant.
Genome position (GRCh38, 1-based): chr2:185,808,891, C>A. VCF-style: chr2-185808891-C-A. GRCh37 (hg19) VCF-style: chr2-186673618-C-A.
Other names: short protein forms P6529T.
Identifiers: ClinVar variation 3056304 (VCV003056304.2), dbSNP rs148575803, ClinGen allele CA2017731.